The following is an entry in ClinVar:

NM_000051.4(ATM):c.4132C>T (p.Pro1378Ser)

Gene: ATM (ATM serine/threonine kinase; plus strand). Cytogenetic location: 11q22.3.
Variant type: single nucleotide variant.
Coding change: c.4132C>T on transcript NM_000051.4 (MANE Select); coding-DNA position 4132, C replaced by T.
Protein change: p.Pro1378Ser; replaces proline 1378 with serine.
Molecular consequence: missense variant.
Genome position (GRCh38, 1-based): chr11:108,288,999, C>T. VCF-style: chr11-108288999-C-T. GRCh37 (hg19) VCF-style: chr11-108159726-C-T.
Other names: c.4132C>T, p.Pro1378Ser (NM_001351834.2); short protein forms P1378S.
Identifiers: ClinVar variation 4747210 (VCV004747210.1).
Genomic context (GRCh38, chr11:108,288,999, plus strand): 5'-TAAAACGATGACTGTATTTTTTCCCTTAACTCTGTTAGGGATTTGGATCCTGCTCCTAAT[C>T]CACCTCATTTTCCATCGCATGTGATTAAAGCAACATTTGCCTATATCAGCAATTGTCATA-3'
Protein context (NP_000042.3, residues 1368-1388): FSGDLDPAPN[Pro1378Ser]PHFPSHVIKA

ClinVar aggregate classification (germline): Uncertain significance (1 of 4 stars; one submission).

Conditions:
Ataxia-telangiectasia syndrome (AT). Also called: Ataxia-telangiectasia, complementation group D; AT, COMPLEMENTATION GROUP C; Ataxia-telangiectasia; Ataxia telangiectasia (A-T); LOUIS-BAR SYNDROME; Cerebello-oculocutaneous telangiectasia. Identifiers: Orphanet 100, MedGen C0004135, MONDO:0008840, OMIM 208900.

Submission:

Labcorp Genetics (formerly Invitae), Labcorp
Classification: Uncertain significance for Ataxia-telangiectasia syndrome. Last evaluated: 2025-10-13. Review status: criteria provided, single submitter. Criteria: Invitae Variant Classification Sherloc (09022015). Collection method: clinical testing. Allele origin: germline.
Comment: This sequence change replaces proline, which is neutral and non-polar, with serine, which is neutral and polar, at codon 1378 of the ATM protein (p.Pro1378Ser). This variant is not present in population databases (gnomAD no frequency). This variant has not been reported in the literature in individuals affected with ATM-related conditions. Invitae Evidence Modeling of protein sequence and biophysical properties (such as structural, functional, and spatial information, amino acid conservation, physicochemical variation, residue mobility, and thermodynamic stability) has been performed for this missense variant. However, the output from this modeling did not meet the statistical confidence thresholds required to predict the impact of this variant on ATM protein function. In summary, the available evidence is currently insufficient to determine the role of this variant in disease. Therefore, it has been classified as a Variant of Uncertain Significance.